The following is an entry in ClinVar:

ClinVar aggregate classification (germline): Uncertain significance (1 of 4 stars; one submission).

Conditions:
Inborn genetic diseases. Identifiers: MedGen C0950123, MeSH D030342.

Submission:

Ambry Genetics
Classification: Uncertain significance for Inborn genetic diseases. Last evaluated: 2025-10-12. Review status: criteria provided, single submitter. Criteria: Ambry Variant Classification Scheme 2023. Collection method: clinical testing. Allele origin: germline.
Comment: The p.R693L variant (also known as c.2078G>T), located in coding exon 13 of the PIK3CA gene, results from a G to T substitution at nucleotide position 2078. The arginine at codon 693 is replaced by leucine, an amino acid with dissimilar properties. This amino acid position is conserved. In addition, this alteration is predicted to be deleterious by in silico analysis. Based on the available evidence, the clinical significance of this variant remains unclear.

NM_006218.4(PIK3CA):c.2078G>T (p.Arg693Leu)

Gene: PIK3CA (phosphatidylinositol-4,5-bisphosphate 3-kinase catalytic subunit alpha; plus strand). Cytogenetic location: 3q26.32.
Variant type: single nucleotide variant.
Coding change: c.2078G>T on transcript NM_006218.4 (MANE Select); coding-DNA position 2078, G replaced by T.
Protein change: p.Arg693Leu; replaces arginine 693 with leucine.
Molecular consequence: missense variant.
Genome position (GRCh38, 1-based): chr3:179,221,048, G>T. VCF-style: chr3-179221048-G-T. GRCh37 (hg19) VCF-style: chr3-178938836-G-T.
Other names: short protein forms R693L.
Identifiers: ClinVar variation 4627610 (VCV004627610.1).